The following is an entry in ClinVar:

ClinVar aggregate classification (germline): Likely benign. Review status: criteria provided, single submitter (1 of 4 stars). 2 submissions from 2 submitters: Likely benign (1). 1 of the submissions does not count toward it. Last evaluated 2025-11-10.

Conditions:
FAT1-related disorder. Also called: FAT1-related condition.

Allele frequency attached by ClinVar (database versions not stated): ExAC 0.00003; gnomAD exomes 0.00003; gnomAD 0.00006; TOPMed 0.00011.
gnomAD v4.1: 54 of 1,613,690 alleles (0.0033%); highest among the groups gnomAD compares: Admixed American, 0.038%; no homozygotes.

Submissions (2):

Labcorp Genetics (formerly Invitae), Labcorp
Classification: Likely benign. Last evaluated: 2025-11-10. Review status: criteria provided, single submitter. Criteria: Invitae Variant Classification Sherloc (09022015). Collection method: clinical testing. Allele origin: germline.

PreventionGenetics, part of Exact Sciences
Classification: Likely benign for FAT1-related condition. Last evaluated: 2024-05-08. Review status: no assertion criteria provided. Collection method: clinical testing. Allele origin: germline. Not counted in ClinVar's aggregate classification.
Comment: This variant is classified as likely benign based on ACMG/AMP sequence variant interpretation guidelines (Richards et al. 2015 PMID: 25741868, with internal and published modifications).

NM_005245.4(FAT1):c.9243G>A (p.Thr3081=)

Gene: FAT1 (FAT atypical cadherin 1; minus strand). Cytogenetic location: 4q35.2.
Variant type: single nucleotide variant.
Coding change: c.9243G>A on transcript NM_005245.4 (MANE Select); coding-DNA position 9243, G replaced by A.
Protein change: p.Thr3081=; no amino-acid change (threonine 3081 retained).
Molecular consequence: synonymous variant.
Genome position (GRCh38, 1-based): chr4:186,613,329, C>T on the plus strand (G>A on the coding strand, the complement: FAT1 is on the minus strand). VCF-style: chr4-186613329-C-T. GRCh37 (hg19) VCF-style: chr4-187534483-C-T.
Other names: c.9243G>A (NM_005245.3).
Identifiers: ClinVar variation 2058019 (VCV002058019.5), dbSNP rs780833657, ClinGen allele CA3165681.